The following is an entry in ClinVar:

ClinVar aggregate classification (germline): Uncertain significance. Review status: criteria provided, multiple submitters, no conflicts (2 of 4 stars). 3 submissions from 3 submitters: Uncertain significance (3). Last evaluated 2025-12-05.

Conditions:
Neurofibromatosis, type 1 (NF1). Also called: Peripheral type neurofibromatosis; VON RECKLINGHAUSEN DISEASE; Neurofibromatosis, type I; NEUROFIBROMATOSIS, TYPE I, SOMATIC. Identifiers: Orphanet 636, MedGen C0027831, MONDO:0018975, OMIM 162200. Disease mechanism: loss of function.
Cardiovascular phenotype. Identifiers: MedGen CN230736.
Hereditary cancer-predisposing syndrome. Also called: Hereditary neoplastic syndrome; Neoplastic Syndromes, Hereditary; Hereditary Cancer Syndrome; Tumor predisposition. Identifiers: Orphanet 140162, MedGen C0027672, MeSH D009386, MONDO:0015356.

Submissions (3):

Ambry Genetics
Classification: Uncertain significance for Cardiovascular phenotype; Hereditary cancer-predisposing syndrome. Last evaluated: 2025-12-05. Review status: criteria provided, single submitter. Criteria: Ambry Variant Classification Scheme 2023. Collection method: clinical testing. Allele origin: germline.
Comment: The p.A95V variant (also known as c.284C>T), located in coding exon 3 of the NF1 gene, results from a C to T substitution at nucleotide position 284. The alanine at codon 95 is replaced by valine, an amino acid with similar properties. This amino acid position is conserved. In addition, the in silico prediction for this alteration is inconclusive. Since supporting evidence is limited at this time, the clinical significance of this alteration remains unclear.

GeneDx
Classification: Uncertain significance. Last evaluated: 2024-01-04. Review status: criteria provided, single submitter. Criteria: GeneDx Variant Classification Process June 2021. Collection method: clinical testing. Allele origin: germline. Affected: yes.
Comment: Not observed at significant frequency in large population cohorts (gnomAD); In silico analysis supports that this missense variant does not alter protein structure/function; Has not been previously published as pathogenic or benign to our knowledge

Labcorp Genetics (formerly Invitae), Labcorp
Classification: Uncertain significance for Neurofibromatosis, type 1. Last evaluated: 2022-07-15. Review status: criteria provided, single submitter. Criteria: Invitae Variant Classification Sherloc (09022015). Collection method: clinical testing. Allele origin: germline.
Comment: Advanced modeling of protein sequence and biophysical properties (such as structural, functional, and spatial information, amino acid conservation, physicochemical variation, residue mobility, and thermodynamic stability) performed at Invitae indicates that this missense variant is expected to disrupt NF1 protein function. ClinVar contains an entry for this variant (Variation ID: 569188). This variant has not been reported in the literature in individuals affected with NF1-related conditions. This variant is not present in population databases (gnomAD no frequency). This sequence change replaces alanine, which is neutral and non-polar, with valine, which is neutral and non-polar, at codon 95 of the NF1 protein (p.Ala95Val). In summary, the available evidence is currently insufficient to determine the role of this variant in disease. Therefore, it has been classified as a Variant of Uncertain Significance.

NM_001042492.3(NF1):c.284C>T (p.Ala95Val)

Gene: NF1 (neurofibromin 1; plus strand). Cytogenetic location: 17q11.2.
Variant type: single nucleotide variant.
Coding change: c.284C>T on transcript NM_001042492.3 (MANE Select); coding-DNA position 284, C replaced by T.
Protein change: p.Ala95Val; replaces alanine 95 with valine.
Molecular consequence: missense variant.
Genome position (GRCh38, 1-based): chr17:31,159,089, C>T. VCF-style: chr17-31159089-C-T. GRCh37 (hg19) VCF-style: chr17-29486107-C-T.
Other names: c.284C>T, p.Ala95Val (NM_000267.4, NM_001128147.3); short protein forms A95V.
Identifiers: ClinVar variation 569188 (VCV000569188.10), dbSNP rs1567816119, ClinGen allele CA398989881.